The following is an entry in ClinVar:

ClinVar aggregate classification (germline): Likely benign (1 of 4 stars; one submission).

Submission:

CeGaT Center for Human Genetics Tuebingen
Classification: Likely benign. Last evaluated: 2025-07-01. Review status: criteria provided, single submitter. Criteria: CeGaT Center For Human Genetics Tuebingen Variant Classification Criteria Version 2. Collection method: clinical testing. Allele origin: germline. Affected: yes. Observed: 1 variant allele.
Comment: PIEZO1: BP4, BP7

NM_001142864.4(PIEZO1):c.678C>T (p.Leu226=)

Genes: HSALR1 (HSP90AB1 associated lncRNA 1; plus strand), PIEZO1 (piezo type mechanosensitive ion channel component 1 (Er blood group); minus strand). Cytogenetic location: 16q24.3.
Variant type: single nucleotide variant.
Coding change: c.678C>T on transcript NM_001142864.4 (MANE Select); coding-DNA position 678, C replaced by T.
Protein change: p.Leu226=; no amino-acid change (leucine 226 retained).
Molecular consequence: synonymous variant. On other transcripts: non-coding transcript variant (1).
Genome position (GRCh38, 1-based): chr16:88,738,397, G>A on the plus strand (C>T on the coding strand, the complement: PIEZO1 is on the minus strand). VCF-style: chr16-88738397-G-A. GRCh37 (hg19) VCF-style: chr16-88804805-G-A.
Identifiers: ClinVar variation 4083591 (VCV004083591.8).